The following is an entry in ClinVar:

NM_015450.3(POT1):c.974A>G (p.Glu325Gly)

Gene: POT1 (protection of telomeres 1; minus strand). Cytogenetic location: 7q31.33.
Variant type: single nucleotide variant.
Coding change: c.974A>G on transcript NM_015450.3 (MANE Select); coding-DNA position 974, A replaced by G.
Protein change: p.Glu325Gly; replaces glutamic acid 325 with glycine.
Molecular consequence: missense variant. On other transcripts: non-coding transcript variant (3).
Genome position (GRCh38, 1-based): chr7:124,846,974, T>C on the plus strand (A>G on the coding strand, the complement: POT1 is on the minus strand). VCF-style: chr7-124846974-T-C. GRCh37 (hg19) VCF-style: chr7-124487028-T-C.
Other names: c.974A>G (NM_015450.2); c.581A>G, p.Glu194Gly (NM_001042594.2); short protein forms E194G, E325G.
Identifiers: ClinVar variation 1054308 (VCV001054308.10), dbSNP rs2116484092, ClinGen allele CA369053782.

ClinVar aggregate classification (germline): Uncertain significance. Review status: criteria provided, multiple submitters, no conflicts (2 of 4 stars). 2 submissions from 2 submitters: Uncertain significance (2). Last evaluated 2025-07-08.

Conditions:
Hereditary cancer-predisposing syndrome. Also called: Neoplastic Syndromes, Hereditary; Hereditary Cancer Syndrome; Hereditary neoplastic syndrome; Tumor predisposition. Identifiers: Orphanet 140162, MedGen C0027672, MeSH D009386, MONDO:0015356.
Tumor predisposition syndrome 3 (TPDS3). Also called: Melanoma, cutaneous malignant, susceptibility to, 10; Glioma susceptibility 9; LONG TELOMERE SYNDROME, POT1-RELATED; POT1 Tumor Predisposition. Identifiers: Orphanet 618, MedGen C4014476, MONDO:0014368, OMIM 615848.

Allele frequency attached by ClinVar (database versions not stated): gnomAD exomes below 0.00001.
gnomAD v4.1: 1 of 1,606,050 alleles (0.000062%); highest among the groups gnomAD compares: Non-Finnish European, 0.000085%; no homozygotes.

Submissions (2):

Labcorp Genetics (formerly Invitae), Labcorp
Classification: Uncertain significance for Tumor predisposition syndrome 3. Last evaluated: 2025-07-08. Review status: criteria provided, single submitter. Criteria: Invitae Variant Classification Sherloc (09022015). Collection method: clinical testing. Allele origin: germline.
Comment: This sequence change replaces glutamic acid, which is acidic and polar, with glycine, which is neutral and non-polar, at codon 325 of the POT1 protein (p.Glu325Gly). This variant is not present in population databases (gnomAD no frequency). This variant has not been reported in the literature in individuals affected with POT1-related conditions. ClinVar contains an entry for this variant (Variation ID: 1054308). Invitae Evidence Modeling of protein sequence and biophysical properties (such as structural, functional, and spatial information, amino acid conservation, physicochemical variation, residue mobility, and thermodynamic stability) indicates that this missense variant is not expected to disrupt POT1 protein function with a negative predictive value of 80%. In summary, the available evidence is currently insufficient to determine the role of this variant in disease. Therefore, it has been classified as a Variant of Uncertain Significance.

Ambry Genetics
Classification: Uncertain significance for Hereditary cancer-predisposing syndrome. Last evaluated: 2024-09-04. Review status: criteria provided, single submitter. Criteria: Ambry Variant Classification Scheme 2023. Collection method: clinical testing. Allele origin: germline.
Comment: The p.E325G variant (also known as c.974A>G), located in coding exon 8 of the POT1 gene, results from an A to G substitution at nucleotide position 974. The glutamic acid at codon 325 is replaced by glycine, an amino acid with similar properties. This amino acid position is conserved. In addition, this alteration is predicted to be tolerated by in silico analysis. Based on the available evidence, the clinical significance of this variant remains unclear.